The following is an entry in ClinVar:

ClinVar aggregate classification (germline): Uncertain significance (1 of 4 stars; one submission).

Conditions:
EP300-related disorder. Also called: EP300-related condition; EP300-related disorders.

gnomAD v4.1: 11 of 1,614,186 alleles (0.00068%); highest among the groups gnomAD compares: Middle Eastern, 0.016%; no homozygotes.

Submission:

PreventionGenetics, part of Exact Sciences
Classification: Uncertain significance for EP300-related condition. Last evaluated: 2026-03-03. Review status: criteria provided, single submitter. Criteria: ACMG Guidelines, 2015. Collection method: clinical testing. Allele origin: germline.
Comment: The EP300 c.5881C>T variant is predicted to result in the amino acid substitution p.Pro1961Ser. To our knowledge, this variant has not been reported in the literature. This variant is reported in 0.0065% of alleles in individuals of South Asian descent in gnomAD. At this time, the clinical significance of this variant is uncertain due to the absence of conclusive functional and genetic evidence.

NM_001429.4(EP300):c.5881C>T (p.Pro1961Ser)

Gene: EP300 (EP300 lysine acetyltransferase; plus strand). Cytogenetic location: 22q13.2.
Variant type: single nucleotide variant.
Coding change: c.5881C>T on transcript NM_001429.4 (MANE Select); coding-DNA position 5881, C replaced by T.
Protein change: p.Pro1961Ser; replaces proline 1961 with serine.
Molecular consequence: missense variant.
Genome position (GRCh38, 1-based): chr22:41,177,592, C>T. VCF-style: chr22-41177592-C-T. GRCh37 (hg19) VCF-style: chr22-41573596-C-T.
Other names: c.5803C>T, p.Pro1935Ser (NM_001362843.2); short protein forms P1935S, P1961S.
Identifiers: ClinVar variation 4986154 (VCV004986154.1).